The following is an entry in ClinVar:

NM_001999.4(FBN2):c.7543T>G (p.Cys2515Gly)

Gene: FBN2 (fibrillin 2; minus strand). Cytogenetic location: 5q23.3.
Variant type: single nucleotide variant.
Coding change: c.7543T>G on transcript NM_001999.4 (MANE Select); coding-DNA position 7543, T replaced by G.
Protein change: p.Cys2515Gly; replaces cysteine 2515 with glycine.
Molecular consequence: missense variant.
Genome position (GRCh38, 1-based): chr5:128,276,089, A>C on the plus strand (T>G on the coding strand, the complement: FBN2 is on the minus strand). VCF-style: chr5-128276089-A-C. GRCh37 (hg19) VCF-style: chr5-127611781-A-C.
Other names: short protein forms C2515G.
Identifiers: ClinVar variation 2827313 (VCV002827313.3), dbSNP rs2479644009, ClinGen allele CA360753789.

ClinVar aggregate classification (germline): Uncertain significance (1 of 4 stars; one submission).

Conditions:
Congenital contractural arachnodactyly (CCA). Also called: BEALS SYNDROME; Beals-Hecht syndrome; Arthrogryposis, distal, type 9. Identifiers: Orphanet 115, MedGen C0220668, MONDO:0007363, OMIM 121050.

Submission:

Labcorp Genetics (formerly Invitae), Labcorp
Classification: Uncertain significance for Congenital contractural arachnodactyly. Last evaluated: 2023-01-09. Review status: criteria provided, single submitter. Criteria: Invitae Variant Classification Sherloc (09022015). Collection method: clinical testing. Allele origin: germline.
Comment: This sequence change replaces cysteine, which is neutral and slightly polar, with glycine, which is neutral and non-polar, at codon 2515 of the FBN2 protein (p.Cys2515Gly). In summary, the available evidence is currently insufficient to determine the role of this variant in disease. Therefore, it has been classified as a Variant of Uncertain Significance. Advanced modeling of protein sequence and biophysical properties (such as structural, functional, and spatial information, amino acid conservation, physicochemical variation, residue mobility, and thermodynamic stability) performed at Invitae indicates that this missense variant is expected to disrupt FBN2 protein function. This variant has not been reported in the literature in individuals affected with FBN2-related conditions. This variant is not present in population databases (gnomAD no frequency).